The following is an entry in ClinVar:

ClinVar aggregate classification (germline): Uncertain significance (1 of 4 stars; one submission).

Submission:

Labcorp Genetics (formerly Invitae), Labcorp
Classification: Uncertain significance. Last evaluated: 2022-06-17. Review status: criteria provided, single submitter. Criteria: Invitae Variant Classification Sherloc (09022015). Collection method: clinical testing. Allele origin: germline.
Comment: Algorithms developed to predict the effect of missense changes on protein structure and function are either unavailable or do not agree on the potential impact of this missense change (SIFT: "Deleterious"; PolyPhen-2: "Probably Damaging"; Align-GVGD: "Class C0"). This sequence change replaces valine, which is neutral and non-polar, with phenylalanine, which is neutral and non-polar, at codon 428 of the DGKZ protein (p.Val428Phe). This variant is not present in population databases (gnomAD no frequency). This variant has not been reported in the literature in individuals affected with DGKZ-related conditions. In summary, the available evidence is currently insufficient to determine the role of this variant in disease. Therefore, it has been classified as a Variant of Uncertain Significance.

NM_001199267.2(DGKZ):c.715G>T (p.Val239Phe)

Gene: DGKZ (diacylglycerol kinase zeta; plus strand). Cytogenetic location: 11p11.2.
Variant type: single nucleotide variant.
Coding change: c.715G>T on transcript NM_001199267.2 (MANE Select); coding-DNA position 715, G replaced by T.
Protein change: p.Val239Phe; replaces valine 239 with phenylalanine.
Molecular consequence: missense variant.
Genome position (GRCh38, 1-based): chr11:46,371,562, G>T. VCF-style: chr11-46371562-G-T. GRCh37 (hg19) VCF-style: chr11-46393112-G-T.
Other names: c.1282G>T, p.Val428Phe (NM_001105540.2); c.718G>T, p.Val240Phe (NM_001199266.2, NM_003646.4); c.649G>T, p.Val217Phe (NM_001199268.2); c.766G>T, p.Val256Phe (NM_201532.3); c.730G>T, p.Val244Phe (NM_201533.3); short protein forms V240F, V217F, V256F, V428F, V244F, V239F.
Identifiers: ClinVar variation 1503609 (VCV001503609.8), dbSNP rs1299266892, ClinGen allele CA380218085.